The following is an entry in ClinVar:

NM_001005498.4(RHBDF2):c.178G>T (p.Val60Phe)

Gene: RHBDF2 (rhomboid 5 homolog 2; minus strand). Cytogenetic location: 17q25.1.
Variant type: single nucleotide variant.
Coding change: c.178G>T on transcript NM_001005498.4 (MANE Select); coding-DNA position 178, G replaced by T.
Protein change: p.Val60Phe; replaces valine 60 with phenylalanine.
Molecular consequence: missense variant. On other transcripts: non-coding transcript variant (3).
Genome position (GRCh38, 1-based): chr17:76,479,827, C>A on the plus strand (G>T on the coding strand, the complement: RHBDF2 is on the minus strand). VCF-style: chr17-76479827-C-A. GRCh37 (hg19) VCF-style: chr17-74475909-C-A.
Other names: c.178G>T, p.Val60Phe (NM_001376228.1, NM_001376229.1, NM_001376230.1); c.265G>T, p.Val89Phe (NM_024599.5); short protein forms V89F, V60F.
Identifiers: ClinVar variation 2515436 (VCV002515436.7), dbSNP rs141169581, ClinGen allele CA8787454.

ClinVar aggregate classification (germline): Uncertain significance. Review status: criteria provided, multiple submitters, no conflicts (2 of 4 stars). 3 submissions from 3 submitters: Uncertain significance (3). Last evaluated 2025-05-14.

Conditions:
Inborn genetic diseases. Identifiers: MedGen C0950123, MeSH D030342.
Palmoplantar keratoderma-esophageal carcinoma syndrome (TOC). Also called: KERATOSIS PALMARIS ET PLANTARIS WITH ESOPHAGEAL CANCER; Tylosis with Esophageal Cancer; PALMOPLANTAR KERATODERMA WITH ESOPHAGEAL CANCER. Identifiers: Orphanet 2198, MedGen C1835664, MONDO:0007856, OMIM 148500.

gnomAD v4.1: 64 of 1,612,996 alleles (0.004%); highest among the groups gnomAD compares: Non-Finnish European, 0.0052%; no homozygotes.

Submissions (3):

Labcorp Genetics (formerly Invitae), Labcorp
Classification: Uncertain significance. Last evaluated: 2025-05-14. Review status: criteria provided, single submitter. Criteria: Invitae Variant Classification Sherloc (09022015). Collection method: clinical testing. Allele origin: germline.
Comment: This sequence change replaces valine, which is neutral and non-polar, with phenylalanine, which is neutral and non-polar, at codon 89 of the RHBDF2 protein (p.Val89Phe). This variant is present in population databases (rs141169581, gnomAD 0.004%). This variant has not been reported in the literature in individuals affected with RHBDF2-related conditions. ClinVar contains an entry for this variant (Variation ID: 2515436). An algorithm developed to predict the effect of missense changes on protein structure and function (PolyPhen-2) suggests that this variant is likely to be tolerated. In summary, the available evidence is currently insufficient to determine the role of this variant in disease. Therefore, it has been classified as a Variant of Uncertain Significance.

Ambry Genetics
Classification: Uncertain significance for Inborn genetic diseases. Last evaluated: 2025-04-03. Review status: criteria provided, single submitter. Criteria: Ambry Variant Classification Scheme 2023. Collection method: clinical testing. Allele origin: germline.

Baylor Genetics
Classification: Uncertain significance for Palmoplantar keratoderma-esophageal carcinoma syndrome. Last evaluated: 2024-01-25. Review status: criteria provided, single submitter. Criteria: ACMG Guidelines, 2015. Collection method: clinical testing. Allele origin: unknown.